The following is an entry in ClinVar:

NM_001136191.3(KANK2):c.1337G>A (p.Arg446Gln)

Gene: KANK2 (KN motif and ankyrin repeat domains 2; minus strand). Cytogenetic location: 19p13.2.
Variant type: single nucleotide variant.
Coding change: c.1337G>A on transcript NM_001136191.3 (MANE Select); coding-DNA position 1337, G replaced by A.
Protein change: p.Arg446Gln; replaces arginine 446 with glutamine.
Molecular consequence: missense variant.
Genome position (GRCh38, 1-based): chr19:11,178,633, C>T on the plus strand (G>A on the coding strand, the complement: KANK2 is on the minus strand). VCF-style: chr19-11178633-C-T. GRCh37 (hg19) VCF-style: chr19-11289309-C-T.
Other names: c.1337G>A, p.Arg446Gln (NM_001329451.2, NM_001379548.1, NM_001379549.1 and 15 more transcripts); short protein forms R446Q.
Identifiers: ClinVar variation 2323742 (VCV002323742.3), dbSNP rs199665873, ClinGen allele CA9205723.

ClinVar aggregate classification (germline): Conflicting classifications of pathogenicity. Review status: criteria provided, conflicting classifications (1 of 4 stars). 2 submissions from 2 submitters: Uncertain significance (1); Likely benign (1). Last evaluated 2025-07-21.

Allele frequency attached by ClinVar (database versions not stated): ExAC 0.00003; TOPMed 0.00003; ESP Exome Variant Server 0.00008.
gnomAD v4.1: 32 of 1,591,028 alleles (0.002%); highest among the groups gnomAD compares: Non-Finnish European, 0.0026%; no homozygotes.

Submissions (2):

Labcorp Genetics (formerly Invitae), Labcorp
Classification: Uncertain significance. Last evaluated: 2025-07-21. Review status: criteria provided, single submitter. Criteria: Invitae Variant Classification Sherloc (09022015). Collection method: clinical testing. Allele origin: germline.
Comment: This sequence change replaces arginine, which is basic and polar, with glutamine, which is neutral and polar, at codon 446 of the KANK2 protein (p.Arg446Gln). This variant is present in population databases (rs199665873, gnomAD 0.005%). This variant has not been reported in the literature in individuals affected with KANK2-related conditions. ClinVar contains an entry for this variant (Variation ID: 2323742). An algorithm developed to predict the effect of missense changes on protein structure and function outputs the following: PolyPhen-2: "Benign". The glutamine amino acid residue is found in multiple mammalian species, which suggests that this missense change does not adversely affect protein function. In summary, the available evidence is currently insufficient to determine the role of this variant in disease. Therefore, it has been classified as a Variant of Uncertain Significance.

Ambry Genetics
Classification: Likely benign. Last evaluated: 2022-11-08. Review status: criteria provided, single submitter. Criteria: Ambry Variant Classification Scheme 2023. Collection method: clinical testing. Allele origin: germline.